The following is an entry in ClinVar:

NM_001276345.2(TNNT2):c.587G>A (p.Gly196Asp)

Gene: TNNT2 (troponin T2, cardiac type; minus strand). Cytogenetic location: 1q32.1.
Variant type: single nucleotide variant.
Coding change: c.587G>A on transcript NM_001276345.2 (MANE Select); coding-DNA position 587, G replaced by A.
Protein change: p.Gly196Asp; replaces glycine 196 with aspartic acid.
Molecular consequence: missense variant.
Genome position (GRCh38, 1-based): chr1:201,363,309, C>T on the plus strand (G>A on the coding strand, the complement: TNNT2 is on the minus strand). VCF-style: chr1-201363309-C-T. GRCh37 (hg19) VCF-style: chr1-201332437-C-T.
Other names: c.587G>A, p.Gly196Asp (NM_000364.4, NM_001406723.1); c.557G>A, p.Gly186Asp (NM_001001430.3, NM_001001431.3, NM_001276347.2 and 3 more transcripts); c.542G>A, p.Gly181Asp (NM_001001432.3, NM_001406728.1); c.467G>A, p.Gly156Asp (NM_001276346.2); c.554G>A, p.Gly185Asp (NM_001406725.1); short protein forms G156D, G181D, G185D, G186D, G196D.
Identifiers: ClinVar variation 3760719 (VCV003760719.2).

ClinVar aggregate classification (germline): Uncertain significance (1 of 4 stars; one submission).

Conditions:
Hypertrophic cardiomyopathy 2. Also called: TNNT2-Related Familial Hypertrophic Cardiomyopathy. Identifiers: MedGen C1861864, MONDO:0007266, OMIM 115195.
Dilated cardiomyopathy 1D. Identifiers: Orphanet 154, Orphanet 54260, MedGen C1832243, MONDO:0011095, OMIM 601494.
Cardiomyopathy, familial restrictive, 3. Identifiers: Orphanet 75249, MedGen C2676271, MONDO:0012900, OMIM 612422.

Submission:

Labcorp Genetics (formerly Invitae), Labcorp
Classification: Uncertain significance for Cardiomyopathy, familial restrictive, 3; Hypertrophic cardiomyopathy 2; Dilated cardiomyopathy 1D. Last evaluated: 2024-03-16. Review status: criteria provided, single submitter. Criteria: Invitae Variant Classification Sherloc (09022015). Collection method: clinical testing. Allele origin: germline.
Comment: This sequence change replaces glycine, which is neutral and non-polar, with aspartic acid, which is acidic and polar, at codon 186 of the TNNT2 protein (p.Gly186Asp). This variant is not present in population databases (gnomAD no frequency). This variant has not been reported in the literature in individuals affected with TNNT2-related conditions. Advanced modeling of protein sequence and biophysical properties (such as structural, functional, and spatial information, amino acid conservation, physicochemical variation, residue mobility, and thermodynamic stability) performed at Invitae indicates that this missense variant is expected to disrupt TNNT2 protein function with a positive predictive value of 95%. In summary, the available evidence is currently insufficient to determine the role of this variant in disease. Therefore, it has been classified as a Variant of Uncertain Significance.